The following is an entry in ClinVar:

NM_001349206.2(LPIN1):c.944_953del (p.Pro315fs)

Genes: LPIN1 (lipin 1; plus strand), LOC126806147 (CDK7 strongly-dependent group 2 enhancer GRCh37_chr2:11919054-11920253; plus strand). Cytogenetic location: 2p25.1.
Variant type: Deletion.
Coding change: c.944_953del on transcript NM_001349206.2 (MANE Select); coding-DNA positions 944 to 953, 10 bases deleted (CGCAGGCTGC; older notation c.944_953delCGCAGGCTGC).
Protein change: p.Pro315fs; shifts the reading frame from proline 315.
Molecular consequence: frameshift variant. On other transcripts: non-coding transcript variant (1).
Genome position (GRCh38, 1-based): chr2:11,779,632-11,779,641, CGCAGGCTGC deleted; deleting any 10 consecutive bases within chr2:11,779,627-11,779,641 gives the same sequence; the c. name uses the placement nearest the transcript's 3' end. VCF-style (leftmost placement, unchanged base first): chr2-11779626-AGCTGCCGCAG-A. GRCh37 (hg19) VCF-style: chr2-11919752-AGCTGCCGCAG-A.
Other names: c.854_863del, p.Pro285fs (NM_001261427.3); c.1091_1100del, p.Pro364fs (NM_001261428.3); c.836_845del, p.Pro279fs (NM_001349199.2, NM_001349200.2, NM_001349201.2 and 1 more transcripts); c.941_950del, p.Pro314fs (NM_001349202.2, NM_001349203.2); c.944_953del, p.Pro315fs (NM_001349204.2, NM_001349205.2); c.1034_1043del, p.Pro345fs (NM_001349207.2); c.983_992del, p.Pro328fs (NM_001349208.2); short protein forms P279fs, P285fs, P314fs, P315fs, P328fs, P345fs, P364fs.
Identifiers: ClinVar variation 1076048 (VCV001076048.7), dbSNP rs1273800088, ClinGen allele CA424858147.

ClinVar aggregate classification (germline): Pathogenic (1 of 4 stars; one submission).

Submission:

Labcorp Genetics (formerly Invitae), Labcorp
Classification: Pathogenic. Last evaluated: 2022-08-16. Review status: criteria provided, single submitter. Criteria: Invitae Variant Classification Sherloc (09022015). Collection method: clinical testing. Allele origin: germline.
Comment: This sequence change creates a premature translational stop signal (p.Pro279Leufs*9) in the LPIN1 gene. It is expected to result in an absent or disrupted protein product. Loss-of-function variants in LPIN1 are known to be pathogenic (PMID: 18817903, 20583302, 22481384, 26111941). For these reasons, this variant has been classified as Pathogenic. ClinVar contains an entry for this variant (Variation ID: 1076048). This variant has not been reported in the literature in individuals affected with LPIN1-related conditions. This variant is present in population databases (no rsID available, gnomAD 0.007%).

Literature cited by the submitters: PubMed 18817903; PubMed 20583302; PubMed 22481384; PubMed 26111941.